The following is an entry in ClinVar:

ClinVar aggregate classification (germline): Uncertain significance (1 of 4 stars; one submission).

Conditions:
Idiopathic generalized epilepsy. Also called: EIG; Generalised epilepsy. Identifiers: MedGen C0270850, MONDO:0005579, OMIM 600669.
Hyperaldosteronism, familial, type IV (HALD4). Also called: FH IV; ALDOSTERONISM, PRIMARY, AND HYPERTENSION. Identifiers: Orphanet 642671, MedGen C4310756, MONDO:0014875, OMIM 617027.

Allele frequency attached by ClinVar (database versions not stated): gnomAD exomes 0.00002 and 0.00005; ExAC 0.00005; gnomAD 0.00005 and 0.00007; TOPMed 0.00008; 1000 Genomes Project 30x 0.00016; 1000 Genomes Project 0.00020.
gnomAD v4.1: 46 of 1,612,536 alleles (0.0029%); highest among the groups gnomAD compares: Admixed American, 0.017%; no homozygotes.

Submission:

Labcorp Genetics (formerly Invitae), Labcorp
Classification: Uncertain significance for Idiopathic generalized epilepsy; Hyperaldosteronism, familial, type IV. Last evaluated: 2026-02-02. Review status: criteria provided, single submitter. Criteria: Invitae Variant Classification Sherloc (09022015). Collection method: clinical testing. Allele origin: germline.
Comment: This sequence change replaces aspartic acid, which is acidic and polar, with asparagine, which is neutral and polar, at codon 1520 of the CACNA1H protein (p.Asp1520Asn). This variant is present in population databases (rs555853603, gnomAD 0.03%). This variant has not been reported in the literature in individuals affected with CACNA1H-related conditions. ClinVar contains an entry for this variant (Variation ID: 460119). Invitae Evidence Modeling of protein sequence and biophysical properties (such as structural, functional, and spatial information, amino acid conservation, physicochemical variation, residue mobility, and thermodynamic stability) indicates that this missense variant is not expected to disrupt CACNA1H protein function with a negative predictive value of 80%. In summary, the available evidence is currently insufficient to determine the role of this variant in disease. Therefore, it has been classified as a Variant of Uncertain Significance.

NM_021098.3(CACNA1H):c.4558G>A (p.Asp1520Asn)

Gene: CACNA1H (calcium voltage-gated channel subunit alpha1 H; plus strand). Cytogenetic location: 16p13.3.
Variant type: single nucleotide variant.
Coding change: c.4558G>A on transcript NM_021098.3 (MANE Select); coding-DNA position 4558, G replaced by A.
Protein change: p.Asp1520Asn; replaces aspartic acid 1520 with asparagine.
Molecular consequence: missense variant.
Genome position (GRCh38, 1-based): chr16:1,211,797, G>A. VCF-style: chr16-1211797-G-A. GRCh37 (hg19) VCF-style: chr16-1261797-G-A.
Other names: c.4558G>A, p.Asp1520Asn (NM_001005407.2); short protein forms D1520N.
Identifiers: ClinVar variation 460119 (VCV000460119.8), dbSNP rs555853603, ClinGen allele CA7801406.